The following is an entry in ClinVar:

NM_001035.3(RYR2):c.10325C>T (p.Ala3442Val)

Gene: RYR2 (ryanodine receptor 2; plus strand). Cytogenetic location: 1q43.
Variant type: single nucleotide variant.
Coding change: c.10325C>T on transcript NM_001035.3 (MANE Select); coding-DNA position 10325, C replaced by T.
Protein change: p.Ala3442Val; replaces alanine 3442 with valine.
Molecular consequence: missense variant.
Genome position (GRCh38, 1-based): chr1:237,717,199, C>T. VCF-style: chr1-237717199-C-T. GRCh37 (hg19) VCF-style: chr1-237880499-C-T.
Other names: short protein forms A3442V.
Identifiers: ClinVar variation 165115 (VCV000165115.9), dbSNP rs727503403, ClinGen allele CA006618.
Genomic context (GRCh38, chr1:237,717,199, plus strand): 5'-AGTGGTTCTACATGTGAGAAAAGCAGGTTCAGATCCCAGCACTTCTCTTTGTTCCATAGG[C>T]AGCTGTTTCTGATCAGGAAAGGAAGAAAATGAAGCGCAAAGGAGATCGGTATTCCATGCA-3'
Protein context (NP_001026.2, residues 3432-3452): ITDTKSKMSK[Ala3442Val]AVSDQERKKM

ClinVar aggregate classification (germline): Uncertain significance. Review status: criteria provided, multiple submitters, no conflicts (2 of 4 stars). 2 submissions from 2 submitters: Uncertain significance (2). Last evaluated 2022-02-25.

Conditions:
Catecholaminergic polymorphic ventricular tachycardia 1. Also called: RYR2-Related Catecholaminergic Polymorphic Ventricular Tachycardia; VENTRICULAR TACHYCARDIA, STRESS-INDUCED POLYMORPHIC 1; VENTRICULAR TACHYCARDIA, CATECHOLAMINERGIC POLYMORPHIC, 1, WITH OR WITHOUT ATRIAL DYSFUNCTION AND/OR DILATED CARDIOMYOPATHY. Identifiers: Orphanet 3286, MedGen C1631597, MONDO:0011484, OMIM 604772.

Allele frequency attached by ClinVar (database versions not stated): ExAC 0.00001.

Submissions (2):

Labcorp Genetics (formerly Invitae), Labcorp
Classification: Uncertain significance for Catecholaminergic polymorphic ventricular tachycardia 1. Last evaluated: 2022-02-25. Review status: criteria provided, single submitter. Criteria: Invitae Variant Classification Sherloc (09022015). Collection method: clinical testing. Allele origin: germline.
Comment: In summary, the available evidence is currently insufficient to determine the role of this variant in disease. Therefore, it has been classified as a Variant of Uncertain Significance. Algorithms developed to predict the effect of missense changes on protein structure and function are either unavailable or do not agree on the potential impact of this missense change (SIFT: "Deleterious"; PolyPhen-2: "Benign"; Align-GVGD: "Class C55"). ClinVar contains an entry for this variant (Variation ID: 165115). This variant has not been reported in the literature in individuals affected with RYR2-related conditions. This variant is present in population databases (rs727503403, gnomAD 0.0009%). This sequence change replaces alanine, which is neutral and non-polar, with valine, which is neutral and non-polar, at codon 3442 of the RYR2 protein (p.Ala3442Val).

Laboratory for Molecular Medicine, Mass General Brigham Personalized Medicine
Classification: Uncertain significance. Last evaluated: 2014-04-04. Review status: criteria provided, single submitter. Criteria: LMM Criteria. Collection method: clinical testing. Allele origin: germline. Observed: 1 variant allele.
Comment: The Ala3442Val variant in RYR2 has not been reported in individuals with cardiom yopathy or in large population studies. Splice prediction tools suggest that thi s variant may create a novel splice site but their accuracy is unknown. Other co mputational predictions do not provide strong support for or against an impact t o the protein. Additional information is needed to fully assess the clinical sig nificance of the Ala3442Val variant.